The following is an entry in ClinVar:

ClinVar aggregate classification (germline): Uncertain significance (1 of 4 stars; one submission).

Submission:

Centre of Medical Genetics, University Hospital Muenster
Classification: Uncertain significance. Last evaluated: 2021-12-08. Review status: criteria provided, single submitter. Criteria: ACMG Guidelines, 2015. Collection method: clinical testing. Allele origin: unknown. Affected: yes. Observed: 1 variant allele, 1 heterozygote.
Comment: ACMG categories: PM1,PM2,BS2

NM_001386298.1(CIC):c.6082G>T (p.Val2028Phe)

Gene: CIC (capicua transcriptional repressor; plus strand). Cytogenetic location: 19q13.2.
Variant type: single nucleotide variant.
Coding change: c.6082G>T on transcript NM_001386298.1 (MANE Select); coding-DNA position 6082, G replaced by T.
Protein change: p.Val2028Phe; replaces valine 2028 with phenylalanine.
Molecular consequence: missense variant.
Genome position (GRCh38, 1-based): chr19:42,292,745, G>T. VCF-style: chr19-42292745-G-T. GRCh37 (hg19) VCF-style: chr19-42796897-G-T.
Other names: c.6082G>T, p.Val2028Phe (NM_001304815.2, NM_001379480.1, NM_001379482.1 and 1 more transcripts); c.3355G>T, p.Val1119Phe (NM_001379484.1, NM_001379485.1, NM_015125.5); short protein forms V1119F, V2028F.
Identifiers: ClinVar variation 1708289 (VCV001708289.2), dbSNP rs764300546, ClinGen allele CA406116205.
Genomic context (GRCh38, chr19:42,292,745, plus strand): 5'-AGCCCTGCACCCACCTCCTCAGCACCCCTGGCCCAGCCATCCCAGGCCCCCCCAAGCCTG[G>T]TCTACACTGTGGCCACCAGCACAACCCCACCTGCAGCCACCATTCTGCCCAAGGGCCCGC-3'
Protein context (NP_001373227.1, residues 2018-2038): AQPSQAPPSL[Val2028Phe]YTVATSTTPP